The following is an entry in ClinVar:

ClinVar aggregate classification (germline): Likely benign (0 of 4 stars; one submission).

Conditions:
DCLRE1B-related disorder. Also called: DCLRE1B-related condition.

Allele frequency attached by ClinVar (database versions not stated): TOPMed 0.00001; ExAC 0.00002; gnomAD 0.00002; gnomAD exomes 0.00002.
gnomAD v4.1: 35 of 1,614,076 alleles (0.0022%); highest among the groups gnomAD compares: Non-Finnish European, 0.0029%; no homozygotes.

Submission:

PreventionGenetics, part of Exact Sciences
Classification: Likely benign for DCLRE1B-related condition. Last evaluated: 2019-09-17. Review status: no assertion criteria provided. Collection method: clinical testing. Allele origin: germline.
Comment: This variant is classified as likely benign based on ACMG/AMP sequence variant interpretation guidelines (Richards et al. 2015 PMID: 25741868, with internal and published modifications).

NM_022836.4(DCLRE1B):c.1362G>A (p.Gly454=)

Gene: DCLRE1B (DNA cross-link repair 1B; plus strand). Cytogenetic location: 1p13.2.
Variant type: single nucleotide variant.
Coding change: c.1362G>A on transcript NM_022836.4 (MANE Select); coding-DNA position 1362, G replaced by A.
Protein change: p.Gly454=; no amino-acid change (glycine 454 retained).
Molecular consequence: synonymous variant. On other transcripts: intron variant (2).
Genome position (GRCh38, 1-based): chr1:113,911,954, G>A. VCF-style: chr1-113911954-G-A. GRCh37 (hg19) VCF-style: chr1-114454576-G-A.
Other names: c.984G>A, p.Gly328= (NM_001319946.2, NM_001319947.2); c.1246+116G>A (NM_001363690.2); c.868+116G>A (NM_001363691.2).
Identifiers: ClinVar variation 3040486 (VCV003040486.2), dbSNP rs753634634, ClinGen allele CA1016573.